The following is an entry in ClinVar:

ClinVar aggregate classification (germline): Uncertain significance (1 of 4 stars; one submission).

Conditions:
Desmin-related myofibrillar myopathy (MFM1). Also called: Desminopathy; Desmin related myopathy (former name); Desmin storage myopathy (former name); Myofibrillar myopathy 1; MYOFIBRILLAR MYOPATHY WITH ARRHYTHMOGENIC RIGHT VENTRICULAR CARDIOMYOPATHY; DESMIN-RELATED MYOPATHY WITH ARRHYTHMOGENIC RIGHT VENTRICULAR CARDIOMYOPATHY. Identifiers: Orphanet 363543, Orphanet 98909, MedGen C1832370, MONDO:0011076, OMIM 601419.

gnomAD v4.1: 1 of 1,562,290 alleles (0.000064%); highest among the groups gnomAD compares: Non-Finnish European, 0.000087%; no homozygotes.

Submission:

Labcorp Genetics (formerly Invitae), Labcorp
Classification: Uncertain significance for Desmin-related myofibrillar myopathy. Last evaluated: 2025-08-14. Review status: criteria provided, single submitter. Criteria: Invitae Variant Classification Sherloc (09022015). Collection method: clinical testing. Allele origin: germline.
Comment: This sequence change replaces phenylalanine, which is neutral and non-polar, with leucine, which is neutral and non-polar, at codon 91 of the DES protein (p.Phe91Leu). This variant is not present in population databases (gnomAD no frequency). This variant has not been reported in the literature in individuals affected with DES-related conditions. Invitae Evidence Modeling of protein sequence and biophysical properties (such as structural, functional, and spatial information, amino acid conservation, physicochemical variation, residue mobility, and thermodynamic stability) has been performed for this missense variant. However, the output from this modeling did not meet the statistical confidence thresholds required to predict the impact of this variant on DES protein function. In summary, the available evidence is currently insufficient to determine the role of this variant in disease. Therefore, it has been classified as a Variant of Uncertain Significance.

NM_001927.4(DES):c.273C>G (p.Phe91Leu)

Gene: DES (desmin; plus strand). Cytogenetic location: 2q35.
Variant type: single nucleotide variant.
Coding change: c.273C>G on transcript NM_001927.4 (MANE Select); coding-DNA position 273, C replaced by G.
Protein change: p.Phe91Leu; replaces phenylalanine 91 with leucine.
Molecular consequence: missense variant.
Genome position (GRCh38, 1-based): chr2:219,418,735, C>G. VCF-style: chr2-219418735-C-G. GRCh37 (hg19) VCF-style: chr2-220283457-C-G.
Other names: c.273C>G, p.Phe91Leu (NM_001382708.1, NM_001382709.1, NM_001382710.1 and 3 more transcripts); short protein forms F91L.
Identifiers: ClinVar variation 4791029 (VCV004791029.1).
Genomic context (GRCh38, chr2:219,418,735, plus strand): 5'-CAGCCGGCTGGGGACCACCCGCACGCCCTCCTCCTACGGCGCAGGCGAGCTGCTGGACTT[C>G]TCACTGGCCGACGCGGTGAACCAGGAGTTTCTGACCACGCGCACCAACGAGAAGGTGGAG-3'
Protein context (NP_001918.3, residues 81-101): SSYGAGELLD[Phe91Leu]SLADAVNQEF